The following is an entry in ClinVar:

ClinVar aggregate classification (germline): Conflicting classifications of pathogenicity. Review status: criteria provided, conflicting classifications (1 of 4 stars). 2 submissions from 2 submitters: Uncertain significance (1); Likely benign (1). Last evaluated 2025-12-22.

Conditions:
Hereditary cancer-predisposing syndrome. Also called: Neoplastic Syndromes, Hereditary; Hereditary neoplastic syndrome; Tumor predisposition; Hereditary Cancer Syndrome. Identifiers: Orphanet 140162, MedGen C0027672, MeSH D009386, MONDO:0015356.
Ataxia-telangiectasia syndrome (AT). Also called: Ataxia telangiectasia (A-T); Cerebello-oculocutaneous telangiectasia; Immunodeficiency with ataxia telangiectasia; Ataxia-telangiectasia, complementation group D; ATAXIA-TELANGIECTASIA, COMPLEMENTATION GROUP A; ATAXIA-TELANGIECTASIA, FRESNO VARIANT. Identifiers: Orphanet 100, MedGen C0004135, MONDO:0008840, OMIM 208900.

Submissions (2):

Ambry Genetics
Classification: Likely benign for Hereditary cancer-predisposing syndrome. Last evaluated: 2025-12-22. Review status: criteria provided, single submitter. Criteria: Ambry Variant Classification Scheme 2023. Collection method: clinical testing. Allele origin: germline.

Labcorp Genetics (formerly Invitae), Labcorp
Classification: Uncertain significance for Ataxia-telangiectasia syndrome. Last evaluated: 2021-08-27. Review status: criteria provided, single submitter. Criteria: Invitae Variant Classification Sherloc (09022015). Collection method: clinical testing. Allele origin: germline.
Comment: This sequence change replaces histidine with asparagine at codon 1624 of the ATM protein (p.His1624Asn). The histidine residue is moderately conserved and there is a small physicochemical difference between histidine and asparagine. This variant is not present in population databases (ExAC no frequency). This variant has not been reported in the literature in individuals affected with ATM-related conditions. Algorithms developed to predict the effect of missense changes on protein structure and function (SIFT, PolyPhen-2, Align-GVGD) all suggest that this variant is likely to be tolerated. In summary, the available evidence is currently insufficient to determine the role of this variant in disease. Therefore, it has been classified as a Variant of Uncertain Significance.

Literature cited by the submitters: PubMed 40580951 (cited by Ambry Genetics).

NM_000051.4(ATM):c.4870C>A (p.His1624Asn)

Gene: ATM (ATM serine/threonine kinase; plus strand). Cytogenetic location: 11q22.3.
Variant type: single nucleotide variant.
Coding change: c.4870C>A on transcript NM_000051.4 (MANE Select); coding-DNA position 4870, C replaced by A.
Protein change: p.His1624Asn; replaces histidine 1624 with asparagine.
Molecular consequence: missense variant.
Genome position (GRCh38, 1-based): chr11:108,295,020, C>A. VCF-style: chr11-108295020-C-A. GRCh37 (hg19) VCF-style: chr11-108165747-C-A.
Other names: c.4870C>A, p.His1624Asn (NM_001351834.2); short protein forms H1624N.
Identifiers: ClinVar variation 658033 (VCV000658033.7), dbSNP rs1591684971, ClinGen allele CA382537109.
Genomic context (GRCh38, chr11:108,295,020, plus strand): 5'-GATGCACTTCCATTGACAAGACTTGAAGGACTAAAGGATCTTCGAAGACAACTGGAACTA[C>A]ATAAAGATCAGATGGTGGACATTATGAGAGCTTCTCAGGGTGCTAATTTTAAATGACATG-3'
Protein context (NP_000042.3, residues 1614-1634): LKDLRRQLEL[His1624Asn]KDQMVDIMRA